The following is an entry in ClinVar:

ClinVar aggregate classification (germline): Conflicting classifications of pathogenicity. Review status: criteria provided, conflicting classifications (1 of 4 stars). 2 submissions from 2 submitters: Pathogenic (1); Uncertain significance (1). Last evaluated 2024-10-29.

Allele frequency attached by ClinVar (database versions not stated): gnomAD exomes below 0.00001; TOPMed below 0.00001; ExAC 0.00001.

Submissions (2):

Labcorp Genetics (formerly Invitae), Labcorp
Classification: Pathogenic. Last evaluated: 2024-10-29. Review status: criteria provided, single submitter. Criteria: Invitae Variant Classification Sherloc (09022015). Collection method: clinical testing. Allele origin: germline.
Comment: This sequence change creates a premature translational stop signal (p.Val18Phefs*19) in the IMPG1 gene. It is expected to result in an absent or disrupted protein product. Loss-of-function variants in IMPG1 are known to be pathogenic (PMID: 23993198). This variant is present in population databases (rs760632047, gnomAD 0.007%). This variant has not been reported in the literature in individuals affected with IMPG1-related conditions. ClinVar contains an entry for this variant (Variation ID: 2010524). For these reasons, this variant has been classified as Pathogenic.

Blueprint Genetics
Classification: Uncertain significance. Last evaluated: 2021-01-20. Review status: criteria provided, single submitter. Criteria: ACMG Guidelines, 2015. Collection method: clinical testing. Allele origin: germline.

Literature cited by the submitters: PubMed 23993198 (cited by Labcorp Genetics (formerly Invitae), Labcorp).

NM_001563.4(IMPG1):c.52del (p.Val18fs)

Gene: IMPG1 (interphotoreceptor matrix proteoglycan 1; minus strand). Cytogenetic location: 6q14.1.
Variant type: Deletion.
Coding change: c.52del on transcript NM_001563.4 (MANE Select); coding-DNA position 52, one base deleted (G; older notation c.52delG).
Protein change: p.Val18fs; shifts the reading frame from valine 18.
Molecular consequence: frameshift variant.
Genome position (GRCh38, 1-based): chr6:76,072,437, C deleted on the plus strand (G on the coding strand, the reverse complement: IMPG1 is on the minus strand). VCF-style (leftmost placement, unchanged base first): chr6-76072436-AC-A. GRCh37 (hg19) VCF-style: chr6-76782153-AC-A.
Other names: c.52del, p.Val18fs (NM_001282368.2); short protein forms V18fs.
Identifiers: ClinVar variation 2010524 (VCV002010524.5), dbSNP rs760632047, ClinGen allele CA3898670.